The following is an entry in ClinVar:

NM_001385012.1(NBEA):c.4309C>T (p.Arg1437Trp)

Gene: NBEA (neurobeachin; plus strand). Cytogenetic location: 13q13.3.
Variant type: single nucleotide variant.
Coding change: c.4309C>T on transcript NM_001385012.1 (MANE Select); coding-DNA position 4309, C replaced by T.
Protein change: p.Arg1437Trp; replaces arginine 1437 with tryptophan.
Molecular consequence: missense variant.
Genome position (GRCh38, 1-based): chr13:35,171,338, C>T. VCF-style: chr13-35171338-C-T. GRCh37 (hg19) VCF-style: chr13-35745475-C-T.
Other names: c.4300C>T, p.Arg1434Trp (NM_001379245.1); c.4309C>T, p.Arg1437Trp (NM_015678.5); short protein forms R1434W, R1437W.
Identifiers: ClinVar variation 5042067 (VCV005042067.1).
Genomic context (GRCh38, chr13:35,171,338, plus strand): 5'-TTGGAAAATATTGAAGTGACACAAGGCATGTCAGCTGAGACAGCAGTAACTTTCCTCAGC[C>T]GGCTGATGGCTATGGTTGATGTACTTGTGTTTGCAAGCTCTCTAAATTTTAGTGAGATTG-3'
Protein context (NP_001371941.1, residues 1427-1447): SAETAVTFLS[Arg1437Trp]LMAMVDVLVF

ClinVar aggregate classification (germline): Benign (1 of 4 stars; one submission).

Conditions:
Neurodevelopmental disorder with or without early-onset generalized epilepsy. Identifiers: MedGen C5436914, MONDO:0030930, OMIM 619157.

gnomAD v4.1: 5 of 1,612,254 alleles (0.00031%); highest among the groups gnomAD compares: South Asian, 0.0011%; no homozygotes.

Submission:

Cellular and Molecular Research Center, Cellular and Molecular Medicine Research Institute,, Urmia University of Medical Sciences
Classification: Benign for Neurodevelopmental disorder with or without early-onset generalized epilepsy. Review status: criteria provided, single submitter. Criteria: ACMG Guidelines, 2015. Collection method: clinical testing. Allele origin: germline. Inheritance: Autosomal dominant inheritance. Affected: yes. Observed: 1 variant allele, 1 heterozygote.
Comment: The NBEA gene (OMIM: 604889), located on chromosome 13q13.3, encodes Neurobeachin, a large brain-enriched protein involved in intracellular vesicle trafficking, synaptic organization, and neuronal function. Neurobeachin also participates in protein kinase A (PKA) anchoring and regulation of neuronal membrane trafficking.NBEA was initially proposed as an autism susceptibility gene following the identification of chromosomal abnormalities involving this gene. Birth weight was 4900 g, length 54 cm, and head circumference 36.5 cm. Head control was normal. One kidney is smaller. Examination showed obesity and chubby hands with tapering fingers. Genetic testing identified a heterozygous missense variant in NBEA (NM_001385012.1:exon26:c.4309C>T, p.Arg1437Trp; rs376531635; chr13:35171338). The variant is classified as a variant of uncertain significance in both InterVar and VarSome and is not listed in ClinVar. NBEA-related neurodevelopmental disorder, with or without early-onset generalized epilepsy, follows autosomal dominant inheritance. This finding, together with the lack of ClinVar support and the uncertain computational classification, does not support a causal role for this variant, and this study therefore favors its classification as a variant of uncertain significance, most benign in this context, rather than as pathogenic.

Literature cited by the submitters: PubMed 19629655.